The following is an entry in ClinVar:

NM_004260.4(RECQL4):c.1219G>A (p.Glu407Lys)

Gene: RECQL4 (RecQ like helicase 4; minus strand). Cytogenetic location: 8q24.3.
Variant type: single nucleotide variant.
Coding change: c.1219G>A on transcript NM_004260.4 (MANE Select); coding-DNA position 1219, G replaced by A.
Protein change: p.Glu407Lys; replaces glutamic acid 407 with lysine.
Molecular consequence: missense variant.
Genome position (GRCh38, 1-based): chr8:144,515,803, C>T on the plus strand (G>A on the coding strand, the complement: RECQL4 is on the minus strand). VCF-style: chr8-144515803-C-T. GRCh37 (hg19) VCF-style: chr8-145741187-C-T.
Other names: short protein forms E407K.
Identifiers: ClinVar variation 239694 (VCV000239694.24), dbSNP rs117670586, ClinGen allele CA4948986.

ClinVar aggregate classification (germline): Conflicting classifications of pathogenicity. Review status: criteria provided, conflicting classifications (1 of 4 stars). 10 submissions from 10 submitters: Uncertain significance (6); Likely benign (1). 3 of the submissions do not count toward it. Last evaluated 2026-02-01.

Conditions:
RECQL4-related disorder. Also called: RECQL4-related condition; RECQL4-related disorders.
Inborn genetic diseases. Identifiers: MedGen C0950123, MeSH D030342.
Hereditary cancer-predisposing syndrome. Also called: Hereditary Cancer Syndrome; Tumor predisposition; Hereditary neoplastic syndrome; Neoplastic Syndromes, Hereditary. Identifiers: Orphanet 140162, MedGen C0027672, MeSH D009386, MONDO:0015356.
Rothmund-Thomson syndrome (RTS). Also called: Poikiloderma Congenitale; Poikiloderma of Rothmund-Thomson. Identifiers: Orphanet 2909, MedGen C0032339, MONDO:0010002.
Baller-Gerold syndrome (BGS). Also called: CRANIOSYNOSTOSIS WITH RADIAL DEFECTS. Identifiers: Orphanet 1225, MedGen C0265308, MONDO:0009039, OMIM 218600.
Rapadilino syndrome. Identifiers: Orphanet 3021, MedGen C1849453, MONDO:0009955, OMIM 266280.

Allele frequency attached by ClinVar (database versions not stated): ExAC 0.00009; 1000 Genomes Project 30x 0.00016; gnomAD exomes 0.00017 and 0.00034; 1000 Genomes Project 0.00020; TOPMed 0.00020; gnomAD 0.00023.

Submissions (10):

Labcorp Genetics (formerly Invitae), Labcorp
Classification: Likely benign for Baller-Gerold syndrome. Last evaluated: 2026-02-01. Review status: criteria provided, single submitter. Criteria: Invitae Variant Classification Sherloc (09022015). Collection method: clinical testing. Allele origin: germline.

Dasa
Classification: Uncertain significance. Last evaluated: 2025-05-06. Review status: criteria provided, single submitter. Criteria: DASA Assertion Criteria. Collection method: clinical testing. Allele origin: germline.
Comment: NM_004260.4(RECQL4):c.1219G>A (p.Glu407Lys) is a missense variant that results in the substitution of glutamic acid with lysine. This variant is rare in population databases. The currently available literature and clinical evidence are not sufficient to establish a definitive association between this variant and the reported condition. Therefore, this variant is classified as a variant of uncertain significance.

Blueprint Genetics
Classification: Uncertain significance. Last evaluated: 2024-08-19. Review status: criteria provided, single submitter. Criteria: ACMG Guidelines, 2015. Collection method: clinical testing. Allele origin: germline.

GeneDx
Classification: Uncertain significance. Last evaluated: 2022-06-09. Review status: criteria provided, single submitter. Criteria: GeneDx Variant Classification Process June 2021. Collection method: clinical testing. Allele origin: germline. Affected: yes.
Comment: In silico analysis supports that this missense variant does not alter protein structure/function; Has not been previously published as pathogenic or benign to our knowledge

Ambry Genetics
Classification: Uncertain significance for Inborn genetic diseases. Last evaluated: 2022-06-02. Review status: criteria provided, single submitter. Criteria: Ambry Variant Classification Scheme 2023. Collection method: clinical testing. Allele origin: germline.

Sema4
Classification: Uncertain significance for Hereditary cancer-predisposing syndrome. Last evaluated: 2021-08-03. Review status: criteria provided, single submitter. Criteria: Sema4 Curation Guidelines. Collection method: curation. Allele origin: germline.
Comment: The RECQL4 c.1219G>A (p.E407K) variant has not been reported in individuals with RECQL4-related disease. It was observed in 38/127032 chromosomes of the Non-Finnish European subpopulation, with no homozygotes, in the large and broad cohorts of the Genome Aggregation Database (PMID: 32461654).The variant has been reported in ClinVar (Variation ID 239694). In silico tools suggest the impact of the variant on protein function is benign, though these predictions have not been confirmed by functional studies. The evidence is insufficient to meet ACMG/AMP criteria for classifying the variant as benign or pathogenic. Thus, the clinical significance of this variant is currently uncertain.

Fulgent Genetics
Classification: Uncertain significance for Baller-Gerold syndrome; Rapadilino syndrome; Rothmund-Thomson syndrome type 2. Last evaluated: 2018-10-31. Review status: criteria provided, single submitter. Criteria: ACMG Guidelines, 2015. Collection method: clinical testing. Allele origin: unknown.

PreventionGenetics, part of Exact Sciences
Classification: Uncertain significance for RECQL4-related condition. Last evaluated: 2023-12-06. Review status: no assertion criteria provided. Collection method: clinical testing. Allele origin: germline. Not counted in ClinVar's aggregate classification.
Comment: The RECQL4 c.1219G>A variant is predicted to result in the amino acid substitution p.Glu407Lys. To our knowledge, this variant has not been reported in the literature. This variant is reported in 0.030% of alleles in individuals of European (Non-Finnish) descent in gnomAD and has conflicting interpretations in ClinVar, ranging from uncertain significance to likely benign. At this time, the clinical significance of this variant is uncertain due to the absence of conclusive functional and genetic evidence.

Genetic Services Laboratory, University of Chicago
Classification: Uncertain significance. Last evaluated: 2022-07-13. Review status: no assertion criteria provided. Collection method: clinical testing. Allele origin: germline. Affected: no. Not counted in ClinVar's aggregate classification.
Comment: DNA sequence analysis of the RECQL4 gene demonstrated a sequence change, c.1219G>A, in exon 6 that results in an amino acid change, p.Glu407Lys. This sequence change does not appear to have been previously described in individuals with RECQL4-related disorders. This sequence change has been described in the gnomAD database with a frequency of 0.017% in the overall population (dbSNP rs117670586). The p.Glu407Lys change affects a poorly conserved amino acid residue located in a domain of the RECQL4 protein that is not known to be functional. The p.Glu407Lys substitution appears to be benign using several in-silico pathogenicity prediction tools (SIFT, PolyPhen2, Align GVGD). Due to insufficient evidences and the lack of functional studies, the clinical significance of the p.Glu407Lys change remains unknown at this time.

Department of Pathology and Laboratory Medicine, Sinai Health System
Classification: Uncertain significance. Review status: no assertion criteria provided. Collection method: clinical testing. Allele origin: unknown. Affected: yes. Study: The Canadian Open Genetics Repository (COGR). Not counted in ClinVar's aggregate classification.
Comment: The RECQL4 p.Glu407Lys variant was not identified in the literature but was identified in dbSNP (ID: rs117670586), ClinVar (classified as uncertain significance by Invitae and Fulgent Genetics) and Cosmic. The variant was identified in control databases in 45 of 265340 chromosomes at a frequency of 0.0001696 (Genome Aggregation Database March 6, 2019, v2.1.1, non-cancer). The variant was observed in the following populations: European (non-Finnish) in 36 of 117170 chromosomes (freq: 0.000307), Latino in 6 of 34898 chromosomes (freq: 0.000172), African in 1 of 22644 chromosomes (freq: 0.000044), European (Finnish) in 1 of 24966 chromosomes (freq: 0.00004) and South Asian in 1 of 30398 chromosomes (freq: 0.000033), but was not observed in the Ashkenazi Jewish, East Asian, or Other populations. The p.Glu407 residue is not conserved in mammals and computational analyses (PolyPhen-2, SIFT, AlignGVGD, BLOSUM, MutationTaster) do not suggest a high likelihood of impact to the protein; however, this information is not predictive enough to rule out pathogenicity. The variant occurs outside of the splicing consensus sequence and in silico or computational prediction software programs (SpliceSiteFinder, MaxEntScan, NNSPLICE, GeneSplicer) do not predict a difference in splicing. In summary, based on the above information the clinical significance of this variant cannot be determined with certainty at this time. This variant is classified as a variant of uncertain significance.